The following is an entry in ClinVar:

ClinVar aggregate classification (germline): Likely benign. Review status: criteria provided, multiple submitters, no conflicts (2 of 4 stars). 2 submissions from 2 submitters: Likely benign (2). Last evaluated 2018-06-14.

Allele frequency attached by ClinVar (database versions not stated): 1000 Genomes Project 30x 0.01702; 1000 Genomes Project 0.01777; gnomAD 0.02357 and 0.02444; TOPMed 0.02383.
gnomAD v4.1: 3,714 of 151,878 alleles (2.4%); highest among the groups gnomAD compares: South Asian, 4.9%; 69 homozygotes.

Submissions (2):

GeneDx
Classification: Likely benign. Last evaluated: 2018-06-14. Review status: criteria provided, single submitter. Criteria: GeneDx Variant Classification (06012015). Collection method: clinical testing. Allele origin: germline. Affected: yes.
Comment: This variant is considered likely benign or benign based on one or more of the following criteria: it is a conservative change, it occurs at a poorly conserved position in the protein, it is predicted to be benign by multiple in silico algorithms, and/or has population frequency not consistent with disease.

Breakthrough Genomics
Classification: Likely benign. Review status: criteria provided, single submitter. Criteria: ACMG Guidelines, 2015. Collection method: not provided. Allele origin: germline. Inheritance: Autosomal recessive inheritance. Affected: yes.

NM_005045.4(RELN):c.4589-163A>G

Gene: RELN (reelin; minus strand). Cytogenetic location: 7q22.1.
Variant type: single nucleotide variant.
Coding change: c.4589-163A>G on transcript NM_005045.4 (MANE Select); 163 bases into the intron before coding-DNA position 4589, A replaced by G.
Molecular consequence: intron variant.
Genome position (GRCh38, 1-based): chr7:103,566,922, T>C on the plus strand (A>G on the coding strand, the complement: RELN is on the minus strand). VCF-style: chr7-103566922-T-C. GRCh37 (hg19) VCF-style: chr7-103207369-T-C.
Other names: c.4589-163A>G (NM_173054.3).
Identifiers: ClinVar variation 672586 (VCV000672586.2), dbSNP rs362802, ClinGen allele CA163914933.